The following is an entry in ClinVar:

NM_001135649.3(FOXI3):c.1012C>T (p.Arg338Cys)

Gene: FOXI3 (forkhead box I3; minus strand). Cytogenetic location: 2p11.2.
Variant type: single nucleotide variant.
Coding change: c.1012C>T on transcript NM_001135649.3 (MANE Select); coding-DNA position 1012, C replaced by T.
Protein change: p.Arg338Cys; replaces arginine 338 with cysteine.
Molecular consequence: missense variant.
Genome position (GRCh38, 1-based): chr2:88,448,458, G>A on the plus strand (C>T on the coding strand, the complement: FOXI3 is on the minus strand). VCF-style: chr2-88448458-G-A. GRCh37 (hg19) VCF-style: chr2-88747977-G-A.
Other names: short protein forms R338C.
Identifiers: ClinVar variation 2190418 (VCV002190418.4), dbSNP rs922394321, ClinGen allele CA51943841.

ClinVar aggregate classification (germline): Uncertain significance (1 of 4 stars; one submission).

Allele frequency attached by ClinVar (database versions not stated): gnomAD 0.00001; TOPMed 0.00003.

Submission:

Labcorp Genetics (formerly Invitae), Labcorp
Classification: Uncertain significance. Last evaluated: 2025-08-17. Review status: criteria provided, single submitter. Criteria: Invitae Variant Classification Sherloc (09022015). Collection method: clinical testing. Allele origin: germline.
Comment: This sequence change replaces arginine, which is basic and polar, with cysteine, which is neutral and slightly polar, at codon 338 of the FOXI3 protein (p.Arg338Cys). This variant is present in population databases (no rsID available, gnomAD 0.005%). This variant has not been reported in the literature in individuals affected with FOXI3-related conditions. ClinVar contains an entry for this variant (Variation ID: 2190418). Experimental studies and prediction algorithms are not available or were not evaluated, and the functional significance of this variant is currently unknown. In summary, the available evidence is currently insufficient to determine the role of this variant in disease. Therefore, it has been classified as a Variant of Uncertain Significance.